The following is an entry in ClinVar:

NM_016553.5(NUP62):c.1388C>T (p.Ala463Val)

Genes: IL4I1 (interleukin 4 induced 1; minus strand), NUP62 (nucleoporin 62; minus strand). Cytogenetic location: 19q13.33.
Variant type: single nucleotide variant.
Coding change: c.1388C>T on transcript NM_016553.5 (MANE Select); coding-DNA position 1388, C replaced by T.
Protein change: p.Ala463Val; replaces alanine 463 with valine.
Molecular consequence: missense variant. On other transcripts: intron variant (3).
Genome position (GRCh38, 1-based): chr19:49,908,420, G>A on the plus strand (C>T on the coding strand, the complement: NUP62 is on the minus strand). VCF-style: chr19-49908420-G-A. GRCh37 (hg19) VCF-style: chr19-50411677-G-A.
Other names: c.-227-4099C>T (NM_001258017.2, NM_172374.3); c.-285-4099C>T (NM_001258018.2); c.1388C>T, p.Ala463Val (NM_001193357.2, NM_012346.5, NM_153718.4 and 1 more transcripts); short protein forms A463V.
Identifiers: ClinVar variation 2071546 (VCV002071546.4), dbSNP rs2075371669, ClinGen allele CA406923735.

ClinVar aggregate classification (germline): Uncertain significance (1 of 4 stars; one submission).

gnomAD v4.1: 16 of 1,614,162 alleles (0.00099%); highest among the groups gnomAD compares: Non-Finnish European, 0.0014%; no homozygotes.

Submission:

Labcorp Genetics (formerly Invitae), Labcorp
Classification: Uncertain significance. Last evaluated: 2022-04-06. Review status: criteria provided, single submitter. Criteria: Invitae Variant Classification Sherloc (09022015). Collection method: clinical testing. Allele origin: germline.
Comment: In summary, the available evidence is currently insufficient to determine the role of this variant in disease. Therefore, it has been classified as a Variant of Uncertain Significance. Algorithms developed to predict the effect of missense changes on protein structure and function (SIFT, PolyPhen-2, Align-GVGD) all suggest that this variant is likely to be tolerated. This variant has not been reported in the literature in individuals affected with NUP62-related conditions. This variant is not present in population databases (gnomAD no frequency). This sequence change replaces alanine, which is neutral and non-polar, with valine, which is neutral and non-polar, at codon 463 of the NUP62 protein (p.Ala463Val).